The following is an entry in ClinVar:

NM_001372.4(DNAH9):c.1733del (p.Leu578fs)

Gene: DNAH9 (dynein axonemal heavy chain 9; plus strand). Cytogenetic location: 17p12.
Variant type: Deletion.
Coding change: c.1733del on transcript NM_001372.4 (MANE Select); coding-DNA position 1733, one base deleted (T; older notation c.1733delT).
Protein change: p.Leu578fs; shifts the reading frame from leucine 578.
Molecular consequence: frameshift variant.
Genome position (GRCh38, 1-based): chr17:11,636,731, T deleted. VCF-style (leftmost placement, unchanged base first): chr17-11636730-CT-C. GRCh37 (hg19) VCF-style: chr17-11540047-CT-C.
Other names: c.1733delT (NM_001372.4); short protein forms L578fs.
Identifiers: ClinVar variation 3013954 (VCV003013954.7), dbSNP rs766799921, ClinGen allele CA8394950.

ClinVar aggregate classification (germline): Pathogenic/Likely pathogenic. Review status: criteria provided, multiple submitters, no conflicts (2 of 4 stars). 3 submissions from 3 submitters: Pathogenic (1); Likely pathogenic (2). Last evaluated 2026-01-17.

Conditions:
Ciliary dyskinesia, primary, 40. Also called: CILIARY DYSKINESIA, PRIMARY, 40, WITH OR WITHOUT SITUS INVERSUS. Identifiers: MedGen C4749028, MONDO:0032664, OMIM 618300.
DNAH9-related disorder. Also called: DNAH9-related condition.

Allele frequency attached by ClinVar (database versions not stated): ExAC 0.00002; gnomAD exomes 0.00003; TOPMed 0.00003; gnomAD 0.00004.

Submissions (3):

Labcorp Genetics (formerly Invitae), Labcorp
Classification: Pathogenic. Last evaluated: 2026-01-17. Review status: criteria provided, single submitter. Criteria: Invitae Variant Classification Sherloc (09022015). Collection method: clinical testing. Allele origin: germline.
Comment: This sequence change creates a premature translational stop signal (p.Leu578Argfs*4) in the DNAH9 gene. It is expected to result in an absent or disrupted protein product. Loss-of-function variants in DNAH9 are known to be pathogenic (PMID: 30471718). This variant is present in population databases (rs766799921, gnomAD 0.004%). This variant has not been reported in the literature in individuals affected with DNAH9-related conditions. ClinVar contains an entry for this variant (Variation ID: 3013954). For these reasons, this variant has been classified as Pathogenic.

PreventionGenetics, part of Exact Sciences
Classification: Likely pathogenic for DNAH9-related condition. Last evaluated: 2025-11-07. Review status: criteria provided, single submitter. Criteria: ACMG Guidelines, 2015. Collection method: clinical testing. Allele origin: germline.
Comment: The DNAH9 c.1733delT variant is predicted to result in a frameshift and premature protein termination (p.Leu578Argfs*4). To our knowledge, this variant has not been reported in the literature. This variant is reported in 0.0044% of alleles in individuals of European (Non-Finnish) descent in gnomAD. Frameshift variants in DNAH9 are expected to be pathogenic. This variant is interpreted as likely pathogenic.

First Genomix Gene Laboratory, Genetic Diagnostics Department
Classification: Likely pathogenic for Ciliary dyskinesia, primary, 40. Last evaluated: 2025-05-30. Review status: criteria provided, single submitter. Criteria: ACMG Guidelines, 2015. Collection method: clinical testing. Allele origin: germline. Inheritance: Autosomal recessive inheritance. Affected: no. Observed: 1 variant allele.

Literature cited by the submitters: PubMed 30471718 (cited by Labcorp Genetics (formerly Invitae), Labcorp).